The following is an entry in ClinVar:

NM_000540.3(RYR1):c.8687C>A (p.Ala2896Asp)

Gene: RYR1 (ryanodine receptor 1; plus strand). Cytogenetic location: 19q13.2.
Variant type: single nucleotide variant.
Coding change: c.8687C>A on transcript NM_000540.3 (MANE Select); coding-DNA position 8687, C replaced by A.
Protein change: p.Ala2896Asp; replaces alanine 2896 with aspartic acid.
Molecular consequence: missense variant.
Genome position (GRCh38, 1-based): chr19:38,506,541, C>A. VCF-style: chr19-38506541-C-A. GRCh37 (hg19) VCF-style: chr19-38997181-C-A.
Other names: c.8687C>A, p.Ala2896Asp (NM_001042723.2); short protein forms A2896D.
Identifiers: ClinVar variation 3385479 (VCV003385479.1).

ClinVar aggregate classification (germline): Uncertain significance (1 of 4 stars; one submission).

Conditions:
Malignant hyperthermia, susceptibility to, 1 (MHS1). Also called: Anesthesia related hyperthermia; Malignant hyperpyrexia; Fulminating hyperpyrexia; Pharmacogenic myopathy; Malignant hyperthermia suceptibility 1; RYR1-Related Malignant Hyperthermia Susceptibility. Identifiers: Orphanet 423, MedGen C2930980, MONDO:0007783, OMIM 145600.

gnomAD v4.1: 1 of 1,613,950 alleles (0.000062%); highest among the groups gnomAD compares: Non-Finnish European, 0.000085%; no homozygotes.

Submission:

All of Us Research Program, National Institutes of Health
Classification: Uncertain significance for Malignant hyperthermia, susceptibility to, 1. Last evaluated: 2024-03-28. Review status: criteria provided, single submitter. Criteria: ACMG Guidelines, 2015. Collection method: clinical testing. Allele origin: germline. Inheritance: Autosomal dominant inheritance. Observed: 1 variant allele, 1 heterozygote.
Comment: This study involves interpretation of variants in research participants for the purpose of population health screening. Participant phenotype was not available at the time of variant classification. Additional details can be found in publication PMID: 35346344, PMCID: PMC8962531